The following is an entry in ClinVar:

ClinVar aggregate classification (germline): Likely benign. Review status: criteria provided, single submitter (1 of 4 stars). 2 submissions from 2 submitters: Likely benign (1). 1 of the submissions does not count toward it. Last evaluated 2024-11-11.

Conditions:
FAH-related disorder. Also called: FAH-related condition.
Tyrosinemia type I (TYRSN1). Also called: Tyrosinemia type 1; Fumarylacetoacetase deficiency; Deficiency of fumarylacetoacetase; FAH DEFICIENCY; HEPATORENAL TYROSINEMIA. Identifiers: Orphanet 882, MedGen C0268490, MONDO:0010161, OMIM 276700. Disease mechanism: loss of function.

Allele frequency attached by ClinVar (database versions not stated): gnomAD exomes below 0.00001; ExAC 0.00001; TOPMed 0.00002; gnomAD 0.00003.
gnomAD v4.1: 12 of 1,613,942 alleles (0.00074%); highest among the groups gnomAD compares: Middle Eastern, 0.033%; no homozygotes.

Submissions (2):

Labcorp Genetics (formerly Invitae), Labcorp
Classification: Likely benign for Tyrosinemia type I. Last evaluated: 2024-11-11. Review status: criteria provided, single submitter. Criteria: Invitae Variant Classification Sherloc (09022015). Collection method: clinical testing. Allele origin: germline.

PreventionGenetics, part of Exact Sciences
Classification: Likely benign for FAH-related condition. Last evaluated: 2023-11-10. Review status: no assertion criteria provided. Collection method: clinical testing. Allele origin: germline. Not counted in ClinVar's aggregate classification.
Comment: This variant is classified as likely benign based on ACMG/AMP sequence variant interpretation guidelines (Richards et al. 2015 PMID: 25741868, with internal and published modifications).

NM_000137.4(FAH):c.843C>G (p.Pro281=)

Gene: FAH (fumarylacetoacetate hydrolase; plus strand). Cytogenetic location: 15q25.1.
Variant type: single nucleotide variant.
Coding change: c.843C>G on transcript NM_000137.4 (MANE Select); coding-DNA position 843, C replaced by G.
Protein change: p.Pro281=; no amino-acid change (proline 281 retained).
Molecular consequence: synonymous variant.
Genome position (GRCh38, 1-based): chr15:80,175,021, C>G. VCF-style: chr15-80175021-C-G. GRCh37 (hg19) VCF-style: chr15-80467363-C-G.
Other names: c.843C>G, p.Pro281= (NM_001374377.1, NM_001374380.1).
Identifiers: ClinVar variation 459904 (VCV000459904.12), dbSNP rs755556442, ClinGen allele CA7691375.